The following is an entry in ClinVar:

ClinVar aggregate classification (germline): Likely benign. Review status: criteria provided, multiple submitters, no conflicts (2 of 4 stars). 5 submissions from 5 submitters: Likely benign (5). Last evaluated 2026-06-01.

Conditions:
RYR1-related disorder. Also called: RYR1-related disorders; RYR1-related condition. Identifiers: MedGen CN239331.
Malignant hyperthermia, susceptibility to, 1 (MHS1). Also called: RYR1-Related Malignant Hyperthermia Susceptibility; Anesthesia related hyperthermia; Malignant hyperpyrexia; Fulminating hyperpyrexia; Pharmacogenic myopathy; Malignant hyperthermia suceptibility 1. Identifiers: Orphanet 423, MedGen C2930980, MONDO:0007783, OMIM 145600.

Allele frequency attached by ClinVar (database versions not stated): TOPMed 0.00002.
gnomAD v4.1: 77 of 1,611,366 alleles (0.0048%); highest among the groups gnomAD compares: East Asian, 0.0067%; no homozygotes.

Submissions (5):

CeGaT Center for Human Genetics Tuebingen
Classification: Likely benign. Last evaluated: 2026-06-01. Review status: criteria provided, single submitter. Criteria: CeGaT Center For Human Genetics Tuebingen Variant Classification Criteria Version 2. Collection method: clinical testing. Allele origin: germline. Affected: yes. Observed: 1 variant allele.
Comment: RYR1: BP4, BP7

Labcorp Genetics (formerly Invitae), Labcorp
Classification: Likely benign for RYR1-related disorder. Last evaluated: 2025-08-18. Review status: criteria provided, single submitter. Criteria: Invitae Variant Classification Sherloc (09022015). Collection method: clinical testing. Allele origin: germline.

Blueprint Genetics
Classification: Likely benign. Last evaluated: 2024-04-04. Review status: criteria provided, single submitter. Criteria: ACMG Guidelines, 2015. Collection method: clinical testing. Allele origin: germline.

All of Us Research Program, National Institutes of Health
Classification: Likely benign for Malignant hyperthermia, susceptibility to, 1. Last evaluated: 2023-12-07. Review status: criteria provided, single submitter. Criteria: ACMG Guidelines, 2015. Collection method: clinical testing. Allele origin: germline. Inheritance: Autosomal dominant inheritance. Observed: 8 variant alleles, 8 heterozygotes.
Comment: This study involves interpretation of variants in research participants for the purpose of population health screening. Participant phenotype was not available at the time of variant classification. Additional details can be found in publication PMID: 35346344, PMCID: PMC8962531

Color Diagnostics, LLC DBA Color Health
Classification: Likely benign for Malignant hyperthermia, susceptibility to, 1. Last evaluated: 2022-11-06. Review status: criteria provided, single submitter. Criteria: ACMG Guidelines, 2015. Collection method: clinical testing. Allele origin: germline.

NM_000540.3(RYR1):c.7887C>T (p.Asp2629=)

Gene: RYR1 (ryanodine receptor 1; plus strand). Cytogenetic location: 19q13.2.
Variant type: single nucleotide variant.
Coding change: c.7887C>T on transcript NM_000540.3 (MANE Select); coding-DNA position 7887, C replaced by T.
Protein change: p.Asp2629=; no amino-acid change (aspartic acid 2629 retained).
Molecular consequence: synonymous variant.
Genome position (GRCh38, 1-based): chr19:38,502,931, C>T. VCF-style: chr19-38502931-C-T. GRCh37 (hg19) VCF-style: chr19-38993571-C-T.
Other names: c.7887C>T, p.Asp2629= (NM_001042723.2).
Identifiers: ClinVar variation 544510 (VCV000544510.16), dbSNP rs759821097, ClinGen allele CA070988.